The following is an entry in ClinVar:

NM_000233.4(LHCGR):c.1936C>T (p.Arg646Cys)

Genes: LHCGR (luteinizing hormone/choriogonadotropin receptor; minus strand), STON1-GTF2A1L (STON1-GTF2A1L readthrough; plus strand). Cytogenetic location: 2p16.3.
Variant type: single nucleotide variant.
Coding change: c.1936C>T on transcript NM_000233.4 (MANE Select); coding-DNA position 1936, C replaced by T.
Protein change: p.Arg646Cys; replaces arginine 646 with cysteine.
Molecular consequence: missense variant. On other transcripts: intron variant (1).
Genome position (GRCh38, 1-based): chr2:48,687,861, G>A on the plus strand (C>T on the coding strand, the complement: LHCGR is on the minus strand). VCF-style: chr2-48687861-G-A. GRCh37 (hg19) VCF-style: chr2-48915000-G-A.
Other names: c.3441+16181G>A (NM_001198593.2); short protein forms R646C.
Identifiers: ClinVar variation 2068226 (VCV002068226.4), dbSNP rs201964457, ClinGen allele CA1652966.

ClinVar aggregate classification (germline): Uncertain significance (1 of 4 stars; one submission).

Allele frequency attached by ClinVar (database versions not stated): gnomAD 0.00002; 1000 Genomes Project 30x 0.00016; gnomAD exomes 0.00002; 1000 Genomes Project 0.00020; ExAC 0.00002.
gnomAD v4.1: 36 of 1,614,116 alleles (0.0022%); highest among the groups gnomAD compares: South Asian, 0.0088%; no homozygotes.

Submission:

Labcorp Genetics (formerly Invitae), Labcorp
Classification: Uncertain significance. Last evaluated: 2023-05-12. Review status: criteria provided, single submitter. Criteria: Invitae Variant Classification Sherloc (09022015). Collection method: clinical testing. Allele origin: germline.
Comment: In summary, the available evidence is currently insufficient to determine the role of this variant in disease. Therefore, it has been classified as a Variant of Uncertain Significance. Experimental studies have shown that this missense change affects LHCGR function (PMID: 32860205). Advanced modeling of protein sequence and biophysical properties (such as structural, functional, and spatial information, amino acid conservation, physicochemical variation, residue mobility, and thermodynamic stability) performed at Invitae indicates that this missense variant is not expected to disrupt LHCGR protein function. ClinVar contains an entry for this variant (Variation ID: 2068226). This variant has not been reported in the literature in individuals affected with LHCGR-related conditions. This variant is present in population databases (rs201964457, gnomAD 0.006%). This sequence change replaces arginine, which is basic and polar, with cysteine, which is neutral and slightly polar, at codon 646 of the LHCGR protein (p.Arg646Cys).

Literature cited by the submitters: PubMed 32860205.